The following is an entry in ClinVar:

ClinVar aggregate classification (germline): Conflicting classifications of pathogenicity. Review status: criteria provided, conflicting classifications (1 of 4 stars). 5 submissions from 5 submitters: Uncertain significance (4); Likely benign (1). Last evaluated 2025-08-04.

Conditions:
Cardiomyopathy (CMYO). Also called: Cardiomyopathies. Identifiers: Orphanet 167848, MedGen C0878544, MONDO:0004994, HP:0001638. Inheritance: Various modes of inheritance.
Arrhythmogenic cardiomyopathy with wooly hair and keratoderma. Also called: PALMOPLANTAR KERATODERMA WITH LEFT VENTRICULAR CARDIOMYOPATHY AND WOOLLY HAIR; Carvajal syndrome; Dilated cardiomyopathy with woolly hair and keratoderma; Arrhythmogenic cardiomyopathy with woolly hair and keratoderma. Identifiers: Orphanet 65282, MedGen C1854063, MONDO:0011581, OMIM 605676.
Cardiovascular phenotype. Identifiers: MedGen CN230736.
Arrhythmogenic right ventricular dysplasia 8 (ARVD8). Also called: ARRHYTHMOGENIC RIGHT VENTRICULAR CARDIOMYOPATHY 8; ARRHYTHMOGENIC RIGHT VENTRICULAR DYSPLASIA, FAMILIAL, 8; Arrhythmogenic Right Ventricular Dysplasia/Cardiomyopathy 8. Identifiers: MedGen C1843896, MONDO:0011831, OMIM 607450.

Allele frequency attached by ClinVar (database versions not stated): TOPMed below 0.00001; gnomAD 0.00001; gnomAD exomes 0.00002.
gnomAD v4.1: 7 of 1,613,950 alleles (0.00043%); highest among the groups gnomAD compares: Admixed American, 0.0033%; no homozygotes.

Submissions (5):

Color Diagnostics, LLC DBA Color Health
Classification: Uncertain significance for Cardiomyopathy. Last evaluated: 2025-08-04. Review status: criteria provided, single submitter. Criteria: ACMG Guidelines, 2015. Collection method: clinical testing. Allele origin: germline.
Comment: This missense variant replaces glycine with valine at codon 2152 of the DSP protein. Computational prediction suggests that this variant may have deleterious impact on protein structure and function. To our knowledge, functional studies have not been reported for this variant. This variant has not been reported in individuals affected with DSP-related disorders in the literature. This variant has been identified in 5/251318 chromosomes in the general population by the Genome Aggregation Database (gnomAD). The available evidence is insufficient to determine the role of this variant in disease conclusively. Therefore, this variant is classified as a Variant of Uncertain Significance.

Labcorp Genetics (formerly Invitae), Labcorp
Classification: Likely benign for Arrhythmogenic cardiomyopathy with wooly hair and keratoderma; Arrhythmogenic right ventricular dysplasia 8. Last evaluated: 2025-05-28. Review status: criteria provided, single submitter. Criteria: Invitae Variant Classification Sherloc (09022015). Collection method: clinical testing. Allele origin: germline.

GeneDx
Classification: Uncertain significance. Last evaluated: 2025-04-07. Review status: criteria provided, single submitter. Criteria: GeneDx Variant Classification Process June 2021. Collection method: clinical testing. Allele origin: germline. Affected: yes.
Comment: Not observed at significant frequency in large population cohorts (gnomAD); In silico analysis supports that this missense variant has a deleterious effect on protein structure/function; Has not been previously published as pathogenic or benign to our knowledge

All of Us Research Program, National Institutes of Health
Classification: Uncertain significance for Arrhythmogenic cardiomyopathy with wooly hair and keratoderma. Last evaluated: 2023-06-28. Review status: criteria provided, single submitter. Criteria: ACMG Guidelines, 2015. Collection method: clinical testing. Allele origin: germline. Inheritance: Autosomal dominant inheritance. Observed: 2 variant alleles, 2 heterozygotes.
Comment: This missense variant replaces glycine with valine at codon 2152 of the DSP protein. Computational prediction suggests that this variant may have deleterious impact on protein structure and function (internally defined REVEL score threshold >= 0.7, PMID: 27666373). To our knowledge, functional studies have not been reported for this variant. This variant has not been reported in individuals affected with DSP-related disorders in the literature. This variant has been identified in 5/251318 chromosomes in the general population by the Genome Aggregation Database (gnomAD). The available evidence is insufficient to determine the role of this variant in disease conclusively. Therefore, this variant is classified as a Variant of Uncertain Significance.

This study involves interpretation of variants in research participants for the purpose of population health screening. Participant phenotype was not available at the time of variant classification. Additional details can be found in publication PMID: 35346344, PMCID: PMC8962531

Ambry Genetics
Classification: Uncertain significance for Cardiovascular phenotype. Last evaluated: 2021-03-15. Review status: criteria provided, single submitter. Criteria: Ambry Variant Classification Scheme 2023. Collection method: clinical testing. Allele origin: germline.
Comment: The p.G2152V variant (also known as c.6455G>T), located in coding exon 24 of the DSP gene, results from a G to T substitution at nucleotide position 6455. The glycine at codon 2152 is replaced by valine, an amino acid with dissimilar properties. This amino acid position is not well conserved in available vertebrate species. In addition, this alteration is predicted to be deleterious by in silico analysis. Since supporting evidence is limited at this time, the clinical significance of this alteration remains unclear.

NM_004415.4(DSP):c.6455G>T (p.Gly2152Val)

Gene: DSP (desmoplakin; plus strand). Cytogenetic location: 6p24.3.
Variant type: single nucleotide variant.
Coding change: c.6455G>T on transcript NM_004415.4 (MANE Select); coding-DNA position 6455, G replaced by T.
Protein change: p.Gly2152Val; replaces glycine 2152 with valine.
Molecular consequence: missense variant.
Genome position (GRCh38, 1-based): chr6:7,583,717, G>T. VCF-style: chr6-7583717-G-T. GRCh37 (hg19) VCF-style: chr6-7583950-G-T.
Other names: c.4658G>T, p.Gly1553Val (NM_001008844.3); c.5126G>T, p.Gly1709Val (NM_001319034.2); short protein forms G1553V, G1709V, G2152V.
Identifiers: ClinVar variation 1416435 (VCV001416435.13), dbSNP rs1040120840, ClinGen allele CA133974921.